The following is an entry in ClinVar:

NM_001174150.2(ARL13B):c.1094A>G (p.Asp365Gly)

Gene: ARL13B (ARF like GTPase 13B; plus strand). Cytogenetic location: 3q11.2.
Variant type: single nucleotide variant.
Coding change: c.1094A>G on transcript NM_001174150.2 (MANE Select); coding-DNA position 1094, A replaced by G.
Protein change: p.Asp365Gly; replaces aspartic acid 365 with glycine.
Molecular consequence: missense variant. On other transcripts: non-coding transcript variant (2).
Genome position (GRCh38, 1-based): chr3:94,049,475, A>G. VCF-style: chr3-94049475-A-G. GRCh37 (hg19) VCF-style: chr3-93768319-A-G.
Other names: c.785A>G, p.Asp262Gly (NM_001174151.2); c.1049A>G, p.Asp350Gly (NM_001321328.2); c.773A>G, p.Asp258Gly (NM_144996.4); c.1094A>G, p.Asp365Gly (NM_182896.3); short protein forms D258G, D262G, D350G, D365G.
Identifiers: ClinVar variation 1359528 (VCV001359528.8), dbSNP rs1466606984, ClinGen allele CA353679489.

ClinVar aggregate classification (germline): Uncertain significance (1 of 4 stars; one submission).

Conditions:
Joubert syndrome 8 (JBTS8). Identifiers: Orphanet 475, MedGen C2676771, MONDO:0012855, OMIM 612291.

Allele frequency attached by ClinVar (database versions not stated): TOPMed 0.00001.

Submission:

Labcorp Genetics (formerly Invitae), Labcorp
Classification: Uncertain significance for Joubert syndrome 8. Last evaluated: 2021-06-06. Review status: criteria provided, single submitter. Criteria: Invitae Variant Classification Sherloc (09022015). Collection method: clinical testing. Allele origin: germline.
Comment: In summary, the available evidence is currently insufficient to determine the role of this variant in disease. Therefore, it has been classified as a Variant of Uncertain Significance. This sequence change replaces aspartic acid with glycine at codon 365 of the ARL13B protein (p.Asp365Gly). The aspartic acid residue is moderately conserved and there is a moderate physicochemical difference between aspartic acid and glycine. This variant is not present in population databases (ExAC no frequency). This variant has not been reported in the literature in individuals with ARL13B-related conditions. Algorithms developed to predict the effect of missense changes on protein structure and function are either unavailable or do not agree on the potential impact of this missense change (SIFT: "Deleterious"; PolyPhen-2: "Benign"; Align-GVGD: "Class C0"). Algorithms developed to predict the effect of sequence changes on RNA splicing suggest that this variant may create or strengthen a splice site, but this prediction has not been confirmed by published transcriptional studies.